The following is an entry in ClinVar:

ClinVar aggregate classification (germline): Benign (1 of 4 stars; one submission).

Submission:

GeneDx
Classification: Benign. Last evaluated: 2013-09-18. Review status: criteria provided, single submitter. Criteria: GeneDx Variant Classification (06012015). Collection method: clinical testing. Allele origin: germline. Affected: yes.
Comment: The variant is found in POSTMORTEM, ARVC panel(s).

NM_001035.3(RYR2):c.11880+13del

Gene: RYR2 (ryanodine receptor 2; plus strand). Cytogenetic location: 1q43.
Variant type: Deletion.
Coding change: c.11880+13del on transcript NM_001035.3 (MANE Select); 13 bases into the intron after coding-DNA position 11880, one base deleted (A; older notation c.11880+13delA).
Molecular consequence: intron variant.
Genome position (GRCh38, 1-based): chr1:237,778,783, A deleted; the last of 2 consecutive A bases (chr1:237,778,782-237,778,783); deleting either gives the same sequence. VCF-style (leftmost placement, unchanged base first): chr1-237778781-TA-T. GRCh37 (hg19) VCF-style: chr1-237942081-TA-T.
Other names: c.11880+13delA (NM_001035.2).
Identifiers: ClinVar variation 201182 (VCV000201182.1), dbSNP rs794728703, ClinGen allele CA007203.